The following is an entry in ClinVar:

ClinVar aggregate classification (germline): Likely pathogenic. Review status: criteria provided, multiple submitters, no conflicts (2 of 4 stars). 4 submissions from 4 submitters: Likely pathogenic (4). Last evaluated 2025-12-31.

Conditions:
Methylmalonic aciduria due to complete methylmalonyl-CoA mutase deficiency.
Methylmalonic acidemia (MMA). Also called: Isolated Methylmalonic Acidemia. Identifiers: MedGen C0268583, MeSH C537358, MONDO:0002012, HP:0002912.
Methylmalonic aciduria due to methylmalonyl-CoA mutase deficiency (MAMM). Also called: Methylmalonic aciduria, mut type. Identifiers: Orphanet 27, MedGen C1855114, MONDO:0009612, OMIM 251000.

Allele frequency attached by ClinVar (database versions not stated): gnomAD exomes below 0.00001.
gnomAD v4.1: 1 of 1,614,080 alleles (0.000062%); highest among the groups gnomAD compares: South Asian, 0.0011%; no homozygotes.

Submissions (4):

Women's Health and Genetics/Laboratory Corporation of America, LabCorp
Classification: Likely pathogenic for Methylmalonic acidemia. Last evaluated: 2025-12-31. Review status: criteria provided, single submitter. Criteria: LabCorp Variant Classification Summary - May 2015. Collection method: clinical testing. Allele origin: germline.
Comment: Variant summary: MMUT c.2020C>T (p.Leu674Phe) results in a non-conservative amino acid change in the encoded protein sequence. Algorithms developed to predict the effect of missense changes on protein structure and function all suggest that this variant is likely to be disruptive. The variant allele was found at a frequency of 6.2e-07 in 1614080 control chromosomes. c.2020C>T has been observed as a homozygous genotype in individual(s) affected with Methylmalonic Acidemia (example, Dundar_2012, Forny_2016). These data indicate that the variant is likely to be associated with disease. To our knowledge, no experimental evidence demonstrating an impact on protein function has been reported. The following publications have been ascertained in the context of this evaluation (PMID: 22727635, 27167370). ClinVar contains an entry for this variant (Variation ID: 583274). Based on the evidence outlined above, the variant was classified as likely pathogenic.

Natera, Inc.
Classification: Likely pathogenic for Methylmalonic aciduria due to complete methylmalonyl-CoA mutase deficiency. Last evaluated: 2024-09-11. Review status: criteria provided, single submitter. Criteria: Natera Variant Classification Schema (03/2026). Collection method: clinical testing. Allele origin: germline.
Comment: The c.2020C>T variant in MMUT is a missense variant predicted to cause substitution of leucine to phenylalanine at amino acid 674. This variant is rare in the general population with a frequency below the threshold expected for the associated phenotype(s). This variant has been observed in one or more individuals affected with the associated recessive disease, as either homozygous or compound heterozygous with a second variant (PMID: 22727635, 27167370). Computational prediction algorithms indicate this variant is likely to affect gene or protein function. Given the available evidence, this variant is classified as Likely Pathogenic.

Department of Pathology and Laboratory Medicine, Sinai Health System
Classification: Likely pathogenic for Methylmalonic aciduria due to methylmalonyl-CoA mutase deficiency. Last evaluated: 2022-09-08. Review status: criteria provided, single submitter. Criteria: ACMG Guidelines, 2015. Collection method: research. Allele origin: germline.

Labcorp Genetics (formerly Invitae), Labcorp
Classification: Likely pathogenic. Last evaluated: 2021-02-07. Review status: criteria provided, single submitter. Criteria: Invitae Variant Classification Sherloc (09022015). Collection method: clinical testing. Allele origin: germline.
Comment: Algorithms developed to predict the effect of missense changes on protein structure and function do not agree on the potential impact of this missense change (SIFT: "Deleterious"; PolyPhen-2: "Probably Damaging"; Align-GVGD: "Class C15"). This sequence change replaces leucine with phenylalanine at codon 674 of the MUT protein (p.Leu674Phe). The leucine residue is highly conserved and there is a small physicochemical difference between leucine and phenylalanine. This variant is not present in population databases (ExAC no frequency). This variant has been reported in the homozygous state in an individual affected with methylmalonic acidemia (PMID: 22727635). A different missense substitution at this codon (p.Leu674Val) has been determined to be likely pathogenic (Invitae). This suggests that the leucine residue is critical for MUT protein function and that other missense substitutions at this position may also be deleterious. In summary, the currently available evidence indicates that the variant is pathogenic, but additional data are needed to prove that conclusively. Therefore, this variant has been classified as Likely Pathogenic.

Literature cited by the submitters: PubMed 22727635 (cited by 3 submitters); PubMed 27167370 (cited by Women's Health and Genetics/Laboratory Corporation of America, LabCorp and Natera, Inc.).

NM_000255.4(MMUT):c.2020C>T (p.Leu674Phe)

Gene: MMUT (methylmalonyl-CoA mutase; minus strand). Cytogenetic location: 6p12.3.
Variant type: single nucleotide variant.
Coding change: c.2020C>T on transcript NM_000255.4 (MANE Select); coding-DNA position 2020, C replaced by T.
Protein change: p.Leu674Phe; replaces leucine 674 with phenylalanine.
Molecular consequence: missense variant.
Genome position (GRCh38, 1-based): chr6:49,435,560, G>A on the plus strand (C>T on the coding strand, the complement: MMUT is on the minus strand). VCF-style: chr6-49435560-G-A. GRCh37 (hg19) VCF-style: chr6-49403273-G-A.
Other names: short protein forms L674F.
Identifiers: ClinVar variation 583274 (VCV000583274.15), dbSNP rs1164271240, ClinGen allele CA364394526.